The following is an entry in ClinVar:

NM_019842.4(KCNQ5):c.1018G>T (p.Ala340Ser)

Gene: KCNQ5 (potassium voltage-gated channel subfamily Q member 5; plus strand). Cytogenetic location: 6q13.
Variant type: single nucleotide variant.
Coding change: c.1018G>T on transcript NM_019842.4 (MANE Select); coding-DNA position 1018, G replaced by T.
Protein change: p.Ala340Ser; replaces alanine 340 with serine.
Molecular consequence: missense variant.
Genome position (GRCh38, 1-based): chr6:73,105,356, G>T. VCF-style: chr6-73105356-G-T. GRCh37 (hg19) VCF-style: chr6-73815079-G-T.
Other names: c.1018G>T, p.Ala340Ser (NM_001160130.2, NM_001160132.2, NM_001160133.2 and 1 more transcripts); short protein forms A340S.
Identifiers: ClinVar variation 2636952 (VCV002636952.1), dbSNP rs2533670671, ClinGen allele CA364826184.

ClinVar aggregate classification (germline): Uncertain significance (1 of 4 stars; one submission).

Conditions:
KCNQ5-related disorder. Also called: KCNQ5-related condition.

Allele frequency attached by ClinVar (database versions not stated): gnomAD exomes below 0.00001.
gnomAD v4.1: 1 of 1,606,116 alleles (0.000062%); highest among the groups gnomAD compares: Non-Finnish European, 0.000085%; no homozygotes.

Submission:

PreventionGenetics, part of Exact Sciences
Classification: Uncertain significance for KCNQ5-related condition. Last evaluated: 2022-10-06. Review status: criteria provided, single submitter. Criteria: ACMG Guidelines, 2015. Collection method: clinical testing. Allele origin: germline.
Comment: The KCNQ5 c.1018G>T variant is predicted to result in the amino acid substitution p.Ala340Ser. To our knowledge, this variant has not been reported in the literature or in a large population database, indicating this variant is rare. At this time, the clinical significance of this variant is uncertain due to the absence of conclusive functional and genetic evidence.